The following is an entry in ClinVar:

ClinVar aggregate classification (germline): Uncertain significance (1 of 4 stars; one submission).

gnomAD v4.1: 1 of 1,613,716 alleles (0.000062%); highest among the groups gnomAD compares: Non-Finnish European, 0.000085%; no homozygotes.

Submission:

GeneDx
Classification: Uncertain significance. Last evaluated: 2026-03-27. Review status: criteria provided, single submitter. Criteria: GeneDx Variant Classification Process June 2021. Collection method: clinical testing. Allele origin: germline.
Comment: Not observed at significant frequency in large population cohorts (gnomAD); Nonsense variant predicted to result in protein truncation as the last 25 amino acid(s) are lost; Has not been previously published as pathogenic or benign to our knowledge

NM_002506.3(NGF):c.649C>T (p.Gln217Ter)

Genes: NGF (nerve growth factor; minus strand), NGF-AS1 (NGF antisense RNA 1; plus strand). Cytogenetic location: 1p13.2.
Variant type: single nucleotide variant.
Coding change: c.649C>T on transcript NM_002506.3 (MANE Select); coding-DNA position 649, C replaced by T.
Protein change: p.Gln217Ter; replaces glutamine 217 with a stop codon.
Molecular consequence: nonsense.
Genome position (GRCh38, 1-based): chr1:115,286,147, G>A on the plus strand (C>T on the coding strand, the complement: NGF is on the minus strand). VCF-style: chr1-115286147-G-A. GRCh37 (hg19) VCF-style: chr1-115828768-G-A.
Other names: c.649C>T, p.Gln217Ter (NM_001437545.1); short protein forms Q217*.
Identifiers: ClinVar variation 5017652 (VCV005017652.1).